The following is an entry in ClinVar:

NM_000169.3(GLA):c.74A>T (p.Asp25Val)

Genes: GLA (galactosidase alpha; minus strand), RPL36A-HNRNPH2 (RPL36A-HNRNPH2 readthrough; plus strand). Cytogenetic location: Xq22.1.
Variant type: single nucleotide variant.
Coding change: c.74A>T on transcript NM_000169.3 (MANE Select); coding-DNA position 74, A replaced by T.
Protein change: p.Asp25Val; replaces aspartic acid 25 with valine.
Molecular consequence: missense variant. On other transcripts: non-coding transcript variant (3), intron variant (2).
Genome position (GRCh38, 1-based): chrX:101,407,830, T>A on the plus strand (A>T on the coding strand, the complement: GLA is on the minus strand). VCF-style: chrX-101407830-T-A. GRCh37 (hg19) VCF-style: chrX-100662818-T-A.
Other names: c.74A>T, p.Asp25Val (NM_001406747.1, NM_001406748.1, NM_001406749.1); c.301-4106T>A (NM_001199973.2); c.178-4106T>A (NM_001199974.2); short protein forms D25V.
Identifiers: ClinVar variation 1759200 (VCV001759200.7), dbSNP rs1336588430, ClinGen allele CA413937563.
Genomic context (GRCh38, chrX:101,407,830, plus strand): 5'-AGCCAGCCCATGGTAGGCGTCCTTGCCAATCCATTGTCCAGTGCTCTAGCCCCAGGGATG[T>A]CCCAGGAAACGAGGGCCAGGAAGCGAAGCGCAAGCGCGCAGCCCAGATGTAGTTCTGGGT-3'
Protein context (NP_000160.1, residues 15-35): ALRFLALVSW[Asp25Val]IPGARALDNG

ClinVar aggregate classification (germline): Uncertain significance. Review status: criteria provided, multiple submitters, no conflicts (2 of 4 stars). 4 submissions from 4 submitters: Uncertain significance (3). 1 of the submissions does not count toward it. Last evaluated 2026-09-08.

Conditions:
Fabry disease. Also called: Fabry's disease; ALPHA-GALACTOSIDASE A DEFICIENCY; ANDERSON-FABRY DISEASE; CERAMIDE TRIHEXOSIDASE DEFICIENCY; GLA DEFICIENCY; HEREDITARY DYSTOPIC LIPIDOSIS. Identifiers: Orphanet 324, MedGen C0002986, MONDO:0010526, OMIM 301500, HP:0001071. Disease mechanism: Fabry disease is due to inactivating mutations in the X-linked GLA gene resulting in deficiency of the enzyme Alpha Galactosidase-A., loss of function.
Cardiovascular phenotype. Identifiers: MedGen CN230736.

Submissions (4):

Genomenon, Inc
Classification: Uncertain significance for Fabry disease. Last evaluated: 2026-09-08. Review status: criteria provided, single submitter. Criteria: Genomenon Sequence Variant Interpretation Standards - Updated. Collection method: curation. Allele origin: germline. Affected: no.
Comment: GLA p.Asp25Val (c.74A>T) is a missense variant that changes the amino acid at codon 25 from Aspartic acid to Valine. This variant has been reported in the published literature (PMID:32023956). It is absent or not present at a significant frequency in gnomAD. In silico models predict that this variant is not damaging. In conclusion, we classify GLA p.Asp25Val (c.74A>T) as a variant of uncertain significance.

Labcorp Genetics (formerly Invitae), Labcorp
Classification: Uncertain significance for Fabry disease. Last evaluated: 2025-01-02. Review status: criteria provided, single submitter. Criteria: Invitae Variant Classification Sherloc (09022015). Collection method: clinical testing. Allele origin: germline.
Comment: This sequence change replaces aspartic acid, which is acidic and polar, with valine, which is neutral and non-polar, at codon 25 of the GLA protein (p.Asp25Val). This variant is not present in population databases (gnomAD no frequency). This variant has not been reported in the literature in individuals affected with GLA-related conditions. ClinVar contains an entry for this variant (Variation ID: 1759200). Invitae Evidence Modeling of protein sequence and biophysical properties (such as structural, functional, and spatial information, amino acid conservation, physicochemical variation, residue mobility, and thermodynamic stability) has been performed for this missense variant. However, the output from this modeling did not meet the statistical confidence thresholds required to predict the impact of this variant on GLA protein function. In summary, the available evidence is currently insufficient to determine the role of this variant in disease. Therefore, it has been classified as a Variant of Uncertain Significance.

Ambry Genetics
Classification: Uncertain significance for Cardiovascular phenotype. Last evaluated: 2019-09-03. Review status: criteria provided, single submitter. Criteria: Ambry Variant Classification Scheme 2023. Collection method: clinical testing. Allele origin: germline.
Comment: The p.D25V variant (also known as c.74A>T), located in coding exon 1 of the GLA gene, results from an A to T substitution at nucleotide position 74. The aspartic acid at codon 25 is replaced by valine, an amino acid with highly dissimilar properties. This amino acid position is poorly conserved in available vertebrate species. In addition, this alteration is predicted to be tolerated by in silico analysis. Since supporting evidence is limited at this time, the clinical significance of this alteration remains unclear.

Natera, Inc.
Classification: Uncertain significance for Fabry disease. Last evaluated: 2025-03-26. Review status: no assertion criteria provided. Collection method: clinical testing. Allele origin: germline. Not counted in ClinVar's aggregate classification.

Literature cited by the submitters: PubMed 32023956 (cited by Genomenon, Inc).